The following is an entry in ClinVar:

ClinVar aggregate classification (germline): Pathogenic (1 of 4 stars; one submission).

Conditions:
Autoimmune lymphoproliferative syndrome type 1. Also called: AUTOIMMUNE LYMPHOPROLIFERATIVE SYNDROME, TYPE I, AUTOSOMAL DOMINANT. Identifiers: Orphanet 3261, MedGen C2717884, MONDO:0011158, OMIM 601859.

Submission:

Labcorp Genetics (formerly Invitae), Labcorp
Classification: Pathogenic for Autoimmune lymphoproliferative syndrome. Last evaluated: 2022-06-28. Review status: criteria provided, single submitter. Criteria: Invitae Variant Classification Sherloc (09022015). Collection method: clinical testing. Allele origin: germline.
Comment: For these reasons, this variant has been classified as Pathogenic. This variant has not been reported in the literature in individuals affected with FAS-related conditions. This variant is a gross deletion of the genomic region encompassing exon(s) 1 of the FAS gene, which includes the initiator codon. This deletion extends beyond the assayed region for this gene and therefore may encompass additional genes. It is expected to result in an absent or disrupted protein product. Loss-of-function variants in FAS are known to be pathogenic (PMID: 10875918, 22237435).

Literature cited by the submitters: PubMed 10875918; PubMed 22237435.

NC_000010.10:g.(?_90749963)_(90750683_?)del

Genes: ACTA2 (actin alpha 2, smooth muscle; minus strand), FAS (Fas cell surface death receptor; plus strand). Cytogenetic location: 10q23.31.
Variant type: Deletion.
Identifiers: ClinVar variation 1459384 (VCV001459384.6).